The following is an entry in ClinVar:

ClinVar aggregate classification (germline): Benign/Likely benign. Review status: criteria provided, multiple submitters, no conflicts (2 of 4 stars). 3 submissions from 3 submitters: Benign (1); Likely benign (2). Last evaluated 2024-10-22.

Conditions:
Birt-Hogg-Dube syndrome 1 (BHD1). Also called: FIBROFOLLICULOMAS WITH TRICHODISCOMAS AND ACROCHORDONS. Identifiers: Orphanet 122, MedGen CN375946, MONDO:0800445, OMIM 135150.
Hereditary cancer-predisposing syndrome. Also called: Tumor predisposition; Neoplastic Syndromes, Hereditary; Hereditary Cancer Syndrome; Hereditary neoplastic syndrome. Identifiers: Orphanet 140162, MedGen C0027672, MeSH D009386, MONDO:0015356.
Birt-Hogg-Dube syndrome. Also called: Birt Hogg Dubé syndrome. Identifiers: Orphanet 122, MedGen C0346010, MONDO:0800444.

Allele frequency attached by ClinVar (database versions not stated): ExAC 0.00001.

Submissions (3):

Myriad Genetics, Inc.
Classification: Benign for Birt-Hogg-Dube syndrome 1. Last evaluated: 2024-10-22. Review status: criteria provided, single submitter. Criteria: Myriad Autosomal Dominant, Autosomal Recessive and X-Linked Classification Criteria (2023). Collection method: clinical testing. Allele origin: unknown.
Comment: This variant is considered benign. This variant is a silent/synonymous amino acid change and it is not expected to impact splicing.

Labcorp Genetics (formerly Invitae), Labcorp
Classification: Likely benign for Birt-Hogg-Dube syndrome. Last evaluated: 2023-09-24. Review status: criteria provided, single submitter. Criteria: Invitae Variant Classification Sherloc (09022015). Collection method: clinical testing. Allele origin: germline.

Ambry Genetics
Classification: Likely benign for Hereditary cancer-predisposing syndrome. Last evaluated: 2021-05-24. Review status: criteria provided, single submitter. Criteria: Ambry Variant Classification Scheme 2023. Collection method: clinical testing. Allele origin: germline.

NM_144997.7(FLCN):c.168T>C (p.Ser56=)

Gene: FLCN (folliculin; minus strand). Cytogenetic location: 17p11.2.
Variant type: single nucleotide variant.
Coding change: c.168T>C on transcript NM_144997.7 (MANE Select); coding-DNA position 168, T replaced by C.
Protein change: p.Ser56=; no amino-acid change (serine 56 retained).
Molecular consequence: synonymous variant.
Genome position (GRCh38, 1-based): chr17:17,227,970, A>G on the plus strand (T>C on the coding strand, the complement: FLCN is on the minus strand). VCF-style: chr17-17227970-A-G. GRCh37 (hg19) VCF-style: chr17-17131284-A-G.
Other names: c.168T>C, p.Ser56= (NM_001353229.2, NM_001353230.2, NM_001353231.2 and 1 more transcripts).
Identifiers: ClinVar variation 1778116 (VCV001778116.6), dbSNP rs774725046, ClinGen allele CA8416511.